The following is an entry in ClinVar:

NM_000277.3(PAH):c.692C>T (p.Ser231Phe)

Gene: PAH (phenylalanine hydroxylase; minus strand). Cytogenetic location: 12q23.2.
Variant type: single nucleotide variant.
Coding change: c.692C>T on transcript NM_000277.3 (MANE Select); coding-DNA position 692, C replaced by T.
Protein change: p.Ser231Phe; replaces serine 231 with phenylalanine.
Molecular consequence: missense variant.
Genome position (GRCh38, 1-based): chr12:102,855,150, G>A on the plus strand (C>T on the coding strand, the complement: PAH is on the minus strand). VCF-style: chr12-102855150-G-A. GRCh37 (hg19) VCF-style: chr12-103248928-G-A.
Other names: c.692C>T, p.Ser231Phe (NM_001354304.2); short protein forms S231F.
Identifiers: ClinVar variation 102787 (VCV000102787.7), dbSNP rs62508577, ClinGen allele CA229695.
Genomic context (GRCh38, chr12:102,855,150, plus strand): 5'-CCTCCCCCAACTTTCTGCAGGGCCATTGACCCTGATGTGGACTTACTCTGCAGGAACTGA[G>A]AAACGTCTTCCAGCTGGGGAATGTTATCTTCATGGAAGCCACAGTACTTTTCAAGAAGTG-3'
Protein context (NP_000268.1, residues 221-241): EDNIPQLEDV[Ser231Phe]QFLQTCTGFR

ClinVar aggregate classification (germline): Pathogenic. Review status: criteria provided, multiple submitters, no conflicts (2 of 4 stars). 3 submissions from 3 submitters: Pathogenic (2). 1 of the submissions does not count toward it. Last evaluated 2024-02-03.

Conditions:
Phenylketonuria (PKU). Also called: Phenylketonuria (PKU); FOLLING DISEASE; OLIGOPHRENIA PHENYLPYRUVICA; Phenylketonurias. Identifiers: Orphanet 716, MedGen C0031485, MONDO:0009861, OMIM 261600. Disease mechanism: loss of function.

Submissions (3):

Baylor Genetics
Classification: Pathogenic for Phenylketonuria. Last evaluated: 2024-02-03. Review status: criteria provided, single submitter. Criteria: ACMG Guidelines, 2015. Collection method: clinical testing. Allele origin: unknown.

Labcorp Genetics (formerly Invitae), Labcorp
Classification: Pathogenic for Phenylketonuria. Last evaluated: 2022-11-01. Review status: criteria provided, single submitter. Criteria: Invitae Variant Classification Sherloc (09022015). Collection method: clinical testing. Allele origin: germline.
Comment: ClinVar contains an entry for this variant (Variation ID: 102787). For these reasons, this variant has been classified as Pathogenic. This variant disrupts the p.Ser231 amino acid residue in PAH. Other variant(s) that disrupt this residue have been determined to be pathogenic (PMID: 8535444, 10394930, 18346471, 27682710). This suggests that this residue is clinically significant, and that variants that disrupt this residue are likely to be disease-causing. Advanced modeling of protein sequence and biophysical properties (such as structural, functional, and spatial information, amino acid conservation, physicochemical variation, residue mobility, and thermodynamic stability) performed at Invitae indicates that this missense variant is expected to disrupt PAH protein function. This missense change has been observed in individual(s) with hyperphenylalaninemia (PMID: 10679941, 23430547). This variant is not present in population databases (gnomAD no frequency). This sequence change replaces serine, which is neutral and polar, with phenylalanine, which is neutral and non-polar, at codon 231 of the PAH protein (p.Ser231Phe).

DeBelle Laboratory for Biochemical Genetics, MUHC/MCH RESEARCH INSTITUTE
No classification provided. Review status: no classification provided. Collection method: not provided. Allele origin: not provided. Not counted in ClinVar's aggregate classification.

Literature cited by the submitters: PubMed 8535444 (cited by Labcorp Genetics (formerly Invitae), Labcorp); PubMed 10394930 (cited by Labcorp Genetics (formerly Invitae), Labcorp); PubMed 18346471 (cited by Labcorp Genetics (formerly Invitae), Labcorp); PubMed 27682710 (cited by Labcorp Genetics (formerly Invitae), Labcorp); PubMed 10679941 (cited by Labcorp Genetics (formerly Invitae), Labcorp); PubMed 23430547 (cited by Labcorp Genetics (formerly Invitae), Labcorp).